The following is an entry in ClinVar:

ClinVar aggregate classification (germline): Uncertain significance. Review status: criteria provided, multiple submitters, no conflicts (2 of 4 stars). 2 submissions from 2 submitters: Uncertain significance (2). Last evaluated 2023-12-26.

Conditions:
Hereditary cancer-predisposing syndrome. Also called: Hereditary Cancer Syndrome; Hereditary neoplastic syndrome; Tumor predisposition; Neoplastic Syndromes, Hereditary. Identifiers: Orphanet 140162, MedGen C0027672, MeSH D009386, MONDO:0015356.

gnomAD v4.1: 2 of 1,613,196 alleles (0.00012%); highest among the groups gnomAD compares: African/African-American, 0.0027%; no homozygotes.

Submissions (2):

Labcorp Genetics (formerly Invitae), Labcorp
Classification: Uncertain significance. Last evaluated: 2023-12-26. Review status: criteria provided, single submitter. Criteria: Invitae Variant Classification Sherloc (09022015). Collection method: clinical testing. Allele origin: germline.
Comment: This sequence change replaces alanine, which is neutral and non-polar, with proline, which is neutral and non-polar, at codon 841 of the MSH3 protein (p.Ala841Pro). This variant is not present in population databases (gnomAD no frequency). This variant has not been reported in the literature in individuals affected with MSH3-related conditions. ClinVar contains an entry for this variant (Variation ID: 1792554). An algorithm developed to predict the effect of missense changes on protein structure and function (PolyPhen-2) suggests that this variant is likely to be tolerated. In summary, the available evidence is currently insufficient to determine the role of this variant in disease. Therefore, it has been classified as a Variant of Uncertain Significance.

Ambry Genetics
Classification: Uncertain significance for Hereditary cancer-predisposing syndrome. Last evaluated: 2023-12-12. Review status: criteria provided, single submitter. Criteria: Ambry Variant Classification Scheme 2023. Collection method: clinical testing. Allele origin: germline.
Comment: The p.A841P variant (also known as c.2521G>C), located in coding exon 18 of the MSH3 gene, results from a G to C substitution at nucleotide position 2521. The alanine at codon 841 is replaced by proline, an amino acid with highly similar properties. This amino acid position is highly conserved in available vertebrate species. In addition, this alteration is predicted to be deleterious by in silico analysis. Since supporting evidence is limited at this time, the clinical significance of this alteration remains unclear.

NM_002439.5(MSH3):c.2521G>C (p.Ala841Pro)

Gene: MSH3 (mutS homolog 3; plus strand). Cytogenetic location: 5q14.1.
Variant type: single nucleotide variant.
Coding change: c.2521G>C on transcript NM_002439.5 (MANE Select); coding-DNA position 2521, G replaced by C.
Protein change: p.Ala841Pro; replaces alanine 841 with proline.
Molecular consequence: missense variant.
Genome position (GRCh38, 1-based): chr5:80,787,650, G>C. VCF-style: chr5-80787650-G-C. GRCh37 (hg19) VCF-style: chr5-80083469-G-C.
Other names: short protein forms A841P.
Identifiers: ClinVar variation 1792554 (VCV001792554.5), dbSNP rs963584392, ClinGen allele CA121335503.